The following is an entry in ClinVar:

ClinVar aggregate classification (germline): Uncertain significance (1 of 4 stars; one submission).

Conditions:
Multiple congenital exostosis (EXT). Also called: Hereditary multiple osteochondromas; Multiple osteochondromas; Hereditary multiple exostoses; Hereditary multiple exostosis; MULTIPLE CARTILAGINOUS EXOSTOSES; Multiple exostoses. Identifiers: Orphanet 321, MedGen C0015306, MONDO:0005508, HP:0002762.

Allele frequency attached by ClinVar (database versions not stated): ExAC 0.00001; gnomAD 0.00001; gnomAD exomes 0.00001; TOPMed 0.00002; ESP Exome Variant Server 0.00008.
gnomAD v4.1: 11 of 1,613,990 alleles (0.00068%); highest among the groups gnomAD compares: East Asian, 0.0022%; no homozygotes.

Submission:

Labcorp Genetics (formerly Invitae), Labcorp
Classification: Uncertain significance for Multiple congenital exostosis. Last evaluated: 2022-11-01. Review status: criteria provided, single submitter. Criteria: Invitae Variant Classification Sherloc (09022015). Collection method: clinical testing. Allele origin: germline.
Comment: This sequence change replaces arginine, which is basic and polar, with tryptophan, which is neutral and slightly polar, at codon 605 of the EXT1 protein (p.Arg605Trp). This variant is present in population databases (rs146967463, gnomAD 0.01%). This variant has not been reported in the literature in individuals affected with EXT1-related conditions. ClinVar contains an entry for this variant (Variation ID: 1026348). In summary, the available evidence is currently insufficient to determine the role of this variant in disease. Therefore, it has been classified as a Variant of Uncertain Significance. Advanced modeling of protein sequence and biophysical properties (such as structural, functional, and spatial information, amino acid conservation, physicochemical variation, residue mobility, and thermodynamic stability) performed at Invitae indicates that this missense variant is not expected to disrupt EXT1 protein function.

NM_000127.3(EXT1):c.1813C>T (p.Arg605Trp)

Gene: EXT1 (exostosin glycosyltransferase 1; minus strand). Cytogenetic location: 8q24.11.
Variant type: single nucleotide variant.
Coding change: c.1813C>T on transcript NM_000127.3 (MANE Select); coding-DNA position 1813, C replaced by T.
Protein change: p.Arg605Trp; replaces arginine 605 with tryptophan.
Molecular consequence: missense variant.
Genome position (GRCh38, 1-based): chr8:117,807,287, G>A on the plus strand (C>T on the coding strand, the complement: EXT1 is on the minus strand). VCF-style: chr8-117807287-G-A. GRCh37 (hg19) VCF-style: chr8-118819526-G-A.
Other names: short protein forms R605W.
Identifiers: ClinVar variation 1026348 (VCV001026348.8), dbSNP rs146967463, ClinGen allele CA4854009.